The following is an entry in ClinVar:

NM_002473.6(MYH9):c.1389G>A (p.Ser463=)

Gene: MYH9 (myosin heavy chain 9; minus strand). Cytogenetic location: 22q12.3.
Variant type: single nucleotide variant.
Coding change: c.1389G>A on transcript NM_002473.6 (MANE Select); coding-DNA position 1389, G replaced by A.
Protein change: p.Ser463=; no amino-acid change (serine 463 retained).
Molecular consequence: synonymous variant.
Genome position (GRCh38, 1-based): chr22:36,314,310, C>T on the plus strand (G>A on the coding strand, the complement: MYH9 is on the minus strand). VCF-style: chr22-36314310-C-T. GRCh37 (hg19) VCF-style: chr22-36710355-C-T.
Identifiers: ClinVar variation 517444 (VCV000517444.28), dbSNP rs757449139, ClinGen allele CA10210281.

ClinVar aggregate classification (germline): Benign/Likely benign. Review status: criteria provided, multiple submitters, no conflicts (2 of 4 stars). 5 submissions from 5 submitters: Benign (1); Likely benign (4). Last evaluated 2025-11-19.

Allele frequency attached by ClinVar (database versions not stated): gnomAD 0.00001 and 0.00003; TOPMed 0.00001; gnomAD exomes 0.00005 and 0.00011; ExAC 0.00012.
gnomAD v4.1: 70 of 1,614,062 alleles (0.0043%); highest among the groups gnomAD compares: South Asian, 0.069%; 1 homozygote.

Submissions (5):

Labcorp Genetics (formerly Invitae), Labcorp
Classification: Benign. Last evaluated: 2025-11-19. Review status: criteria provided, single submitter. Criteria: Invitae Variant Classification Sherloc (09022015). Collection method: clinical testing. Allele origin: germline.

CeGaT Center for Human Genetics Tuebingen
Classification: Likely benign. Last evaluated: 2025-02-01. Review status: criteria provided, single submitter. Criteria: CeGaT Center For Human Genetics Tuebingen Variant Classification Criteria Version 2. Collection method: clinical testing. Allele origin: germline. Affected: yes. Observed: 1 variant allele.
Comment: MYH9: BP4, BP7

Blueprint Genetics
Classification: Likely benign. Last evaluated: 2022-06-14. Review status: criteria provided, single submitter. Criteria: ACMG Guidelines, 2015. Collection method: clinical testing. Allele origin: germline.

GeneDx
Classification: Likely benign. Last evaluated: 2020-03-05. Review status: criteria provided, single submitter. Criteria: GeneDx Variant Classification Process June 2021. Collection method: clinical testing. Allele origin: germline. Affected: yes.

Laboratory for Molecular Medicine, Mass General Brigham Personalized Medicine
Classification: Likely benign. Last evaluated: 2017-07-11. Review status: criteria provided, single submitter. Criteria: LMM Criteria. Collection method: clinical testing. Allele origin: germline. Observed: 1 variant allele.
Comment: p.Ser463Ser in exon 13 of MYH9: This variant is not expected to have clinical si gnificance because it does not alter an amino acid residue, is not located withi n the splice consensus sequence. It has been identified in 26/30782 of South As ian chromosomes by the Genome Aggregation Database (gnomAD; dbSNP rs757449139).